The following is an entry in ClinVar:

NM_001371623.1(TCOF1):c.1342A>T (p.Arg448Trp)

Gene: TCOF1 (treacle ribosome biogenesis factor 1; plus strand). Cytogenetic location: 5q32.
Variant type: single nucleotide variant.
Coding change: c.1342A>T on transcript NM_001371623.1 (MANE Select); coding-DNA position 1342, A replaced by T.
Protein change: p.Arg448Trp; replaces arginine 448 with tryptophan.
Molecular consequence: missense variant.
Genome position (GRCh38, 1-based): chr5:150,375,017, A>T. VCF-style: chr5-150375017-A-T. GRCh37 (hg19) VCF-style: chr5-149754580-A-T.
Other names: c.1111A>T, p.Arg371Trp (NM_000356.4, NM_001135245.2, NM_001437406.1); c.1342A>T, p.Arg448Trp (NM_001008657.3, NM_001135243.2, NM_001135244.2 and 1 more transcripts); short protein forms R448W, R371W.
Identifiers: ClinVar variation 5030588 (VCV005030588.1).

ClinVar aggregate classification (germline): Uncertain significance (1 of 4 stars; one submission).

Conditions:
Inborn genetic diseases. Identifiers: MedGen C0950123, MeSH D030342.

gnomAD v4.1: 2 of 1,613,646 alleles (0.00012%); highest among the groups gnomAD compares: Admixed American, 0.0033%; no homozygotes.

Submission:

Ambry Genetics
Classification: Uncertain significance for Inborn genetic diseases. Last evaluated: 2026-07-20. Review status: criteria provided, single submitter. Criteria: Ambry Variant Classification Scheme 2023. Collection method: clinical testing. Allele origin: germline.
Comment: The c.1342A>T (p.R448W) alteration is located in exon 10 (coding exon 10) of the TCOF1 gene. This alteration results from a A to T substitution at nucleotide position 1342, causing the arginine (R) at amino acid position 448 to be replaced by a tryptophan (W). Based on data from gnomAD, the T allele has an overall frequency of <0.001% (1/249258) total alleles studied. The highest observed frequency was 0.003% (1/34542) of Latino alleles. Based on insufficient or conflicting evidence, the clinical significance of this alteration remains unclear.